The following is an entry in ClinVar:

NM_024666.5(AAGAB):c.31delinsGC (p.Thr11fs)

Genes: AAGAB (alpha and gamma adaptin binding protein; minus strand), LOC130057363 (ATAC-STARR-seq lymphoblastoid active region 9628; plus strand). Cytogenetic location: 15q23.
Variant type: Indel.
Coding change: c.31delinsGC on transcript NM_024666.5 (MANE Select); coding-DNA position 31, A replaced by GC.
Protein change: p.Thr11fs; shifts the reading frame from threonine 11.
Molecular consequence: frameshift variant. On other transcripts: 5 prime UTR variant (1), intron variant (1).
Genome position (GRCh38, 1-based): chr15:67,254,601, T replaced by GC on the plus strand (A replaced by GC on the coding strand, the reverse complement: AAGAB is on the minus strand). VCF-style: chr15-67254601-T-GC. GRCh37 (hg19) VCF-style: chr15-67546939-T-GC.
Other names: c.-442delinsGC (NM_001271886.2); c.-255+536delinsGC (NM_001271885.2); short protein forms T11fs.
Identifiers: ClinVar variation 3254572 (VCV003254572.1), dbSNP rs2505534817.
Genomic context (GRCh38, chr15:67,254,601, plus strand): 5'-AGGCGCCTATCTACTCACGTTGGACCAGCTGGTCTCCTGAGAAGACGGAGGAGCAGCTGG[T>GC]GACTAACGCACAGGGTACGCCAGCAGCCATAGCTGCGCTCGCGAGCCGGTTCCGTCAGGC-3'

ClinVar aggregate classification (germline): Pathogenic (1 of 4 stars; one submission).

Conditions:
Palmoplantar keratoderma, punctate type 1A (PPKP1A). Also called: PALMOPLANTAR KERATODERMA, PUNCTATE TYPE IA. Identifiers: Orphanet 79501, MedGen CN031225, MONDO:0007858, OMIM 148600.

Submission:

Victorian Clinical Genetics Services, Murdoch Childrens Research Institute
Classification: Pathogenic for Palmoplantar keratoderma, punctate type 1A. Last evaluated: 2023-07-17. Review status: criteria provided, single submitter. Criteria: ACMG Guidelines, 2015. Collection method: clinical testing. Allele origin: germline. Inheritance: Autosomal dominant inheritance. Affected: yes.
Comment: Based on the classification scheme VCGS_Germline_v1.3.4, this variant is classified as Pathogenic. Following criteria are met: 0102 - Loss of function is a known mechanism of disease in this gene and is associated with punctate type IA palmoplantar keratoderma (MIM#148600). (I) 0107 - This gene is associated with autosomal dominant disease. (I) 0115 - Variants in this gene are known to have variable expressivity. Interfamilial and intrafamilial phenotypic variability have been reported (OMIM). (I) 0201 - Variant is predicted to cause nonsense-mediated decay (NMD) and loss of protein (premature termination codon is located at least 54 nucleotides upstream of the final exon-exon junction). (SP) 0251 - This variant is heterozygous. (I) 0301 - Variant is absent from gnomAD (both v2 and v3). (SP) 0701 - Other premature termination variants comparable to the one identified in this case have very strong previous evidence for pathogenicity. Many NMD-predicted variants in this gene have been reported as likely pathogenic/pathogenic (ClinVar). (SP) 0807 - This variant has no previous evidence of pathogenicity. (I) 0905 - No published segregation evidence has been identified for this variant. (I) 1007 - No published functional evidence has been identified for this variant. (I) 1208 - Inheritance information for this variant is not currently available in this individual. (I) Legend: (SP) - Supporting pathogenic, (I) - Information, (SB) - Supporting benign